The following is an entry in ClinVar:

ClinVar aggregate classification (germline): Uncertain significance (1 of 4 stars; one submission).

Submission:

ARUP Laboratories, Molecular Genetics and Genomics, ARUP Laboratories
Classification: Uncertain significance. Last evaluated: 2025-01-02. Review status: criteria provided, single submitter. Criteria: ARUP Molecular Germline Variant Investigation Process 2024. Collection method: clinical testing. Allele origin: germline.
Comment: The CHEK2 c.1623_1624insAATTTGCT; p.Val542AsnfsTer27 variant, to our knowledge, is not reported in the medical literature or gene specific databases. This variant is also absent from the Genome Aggregation Database (v2.1.1), indicating it is not a common polymorphism. This variant results in a premature termination codon in the last exon of the CHEK2 gene. While this may not lead to nonsense-mediated decay, it is expected to create a protein that would include a sequence of 27 amino acid residues not usually present. However, given the lack of clinical and functional data, the significance of this variant is uncertain at this time.

NM_007194.4(CHEK2):c.1623_1624insAATTTGCT (p.Val542fs)

Gene: CHEK2 (checkpoint kinase 2; minus strand). Cytogenetic location: 22q12.1.
Variant type: Insertion.
Coding change: c.1623_1624insAATTTGCT on transcript NM_007194.4 (MANE Select); coding-DNA positions 1623 to 1624, AATTTGCT inserted.
Protein change: p.Val542fs; shifts the reading frame from valine 542.
Molecular consequence: frameshift variant.
Genome position: GRCh38 VCF-style: chr22-28687905-C-CAGCAAATT. GRCh37 (hg19) VCF-style: chr22-29083893-C-CAGCAAATT.
Other names: c.1752_1753insAATTTGCT, p.Val585fs (NM_001005735.3); c.960_961insAATTTGCT, p.Val321fs (NM_001257387.3, NM_001437942.1); c.1422_1423insAATTTGCT, p.Val475fs (NM_001349956.3); c.1716_1717insAATTTGCT, p.Val573fs (NM_001438293.1); c.1665_1666insAATTTGCT, p.Val556fs (NM_001438294.1); c.1629_1630insAATTTGCT, p.Val544fs (NM_001438295.1); c.1536_1537insAATTTGCT, p.Val513fs (NM_145862.3); short protein forms V321fs, V475fs, V513fs, V542fs, V544fs, V556fs, V573fs, V585fs.
Identifiers: ClinVar variation 4685915 (VCV004685915.1).